The following is an entry in ClinVar:

NM_000051.4(ATM):c.3720C>T (p.Asn1240=)

Gene: ATM (ATM serine/threonine kinase; plus strand). Cytogenetic location: 11q22.3.
Variant type: single nucleotide variant.
Coding change: c.3720C>T on transcript NM_000051.4 (MANE Select); coding-DNA position 3720, C replaced by T.
Protein change: p.Asn1240=; no amino-acid change (asparagine 1240 retained).
Molecular consequence: synonymous variant.
Genome position (GRCh38, 1-based): chr11:108,282,853, C>T. VCF-style: chr11-108282853-C-T. GRCh37 (hg19) VCF-style: chr11-108153580-C-T.
Other names: c.3720C>T, p.Asn1240= (NM_001351834.2).
Identifiers: ClinVar variation 1133963 (VCV001133963.10), dbSNP rs1478427829, ClinGen allele CA476673332.

ClinVar aggregate classification (germline): Benign/Likely benign. Review status: criteria provided, multiple submitters, no conflicts (2 of 4 stars). 2 submissions from 2 submitters: Benign (1); Likely benign (1). Last evaluated 2024-05-15.

Conditions:
Ataxia-telangiectasia syndrome (AT). Also called: ATAXIA-TELANGIECTASIA, COMPLEMENTATION GROUP A; Ataxia telangiectasia (A-T); Cerebello-oculocutaneous telangiectasia; Immunodeficiency with ataxia telangiectasia; ATAXIA-TELANGIECTASIA, FRESNO VARIANT; Ataxia-telangiectasia, complementation group D. Identifiers: Orphanet 100, MedGen C0004135, MONDO:0008840, OMIM 208900.
Familial cancer of breast. Also called: Hereditary breast cancer; BREAST CANCER, FAMILIAL; hereditary breast carcinoma. Identifiers: Orphanet 227535, MedGen C0346153, MONDO:0016419, OMIM 114480. Disease mechanism: loss of function.

Allele frequency attached by ClinVar (database versions not stated): TOPMed below 0.00001; gnomAD 0.00001.
gnomAD v4.1: 1 of 1,515,624 alleles (0.000066%); highest among the groups gnomAD compares: Non-Finnish European, 0.000091%; no homozygotes.

Submissions (2):

Myriad Genetics, Inc.
Classification: Benign for Familial cancer of breast. Last evaluated: 2024-05-15. Review status: criteria provided, single submitter. Criteria: Myriad Autosomal Dominant, Autosomal Recessive and X-Linked Classification Criteria (2023). Collection method: clinical testing. Allele origin: unknown.
Comment: This variant is considered benign. This variant is a silent/synonymous amino acid change and it is not expected to impact splicing.

Labcorp Genetics (formerly Invitae), Labcorp
Classification: Likely benign for Ataxia-telangiectasia syndrome. Last evaluated: 2023-11-06. Review status: criteria provided, single submitter. Criteria: Invitae Variant Classification Sherloc (09022015). Collection method: clinical testing. Allele origin: germline.